The following is an entry in ClinVar:

ClinVar aggregate classification (germline): Uncertain significance (1 of 4 stars; one submission).

Submission:

Labcorp Genetics (formerly Invitae), Labcorp
Classification: Uncertain significance. Last evaluated: 2021-05-05. Review status: criteria provided, single submitter. Criteria: Invitae Variant Classification Sherloc (09022015). Collection method: clinical testing. Allele origin: germline.
Comment: This variant has not been reported in the literature in individuals with COL18A1-related conditions. In summary, the available evidence is currently insufficient to determine the role of this variant in disease. Therefore, it has been classified as a Variant of Uncertain Significance. Experimental studies and prediction algorithms are not available or were not evaluated, and the functional significance of this variant is currently unknown. This variant is not present in population databases (ExAC no frequency). This sequence change replaces aspartic acid with glutamic acid at codon 91 of the COL18A1 protein (p.Asp91Glu). There is a small physicochemical difference between aspartic acid and glutamic acid.

NM_001379500.1(COL18A1):c.273C>A (p.Asp91Glu)

Gene: COL18A1 (collagen type XVIII alpha 1 chain; plus strand). Cytogenetic location: 21q22.3.
Variant type: single nucleotide variant.
Coding change: c.273C>A on transcript NM_001379500.1 (MANE Select); coding-DNA position 273, C replaced by A.
Protein change: p.Asp91Glu; replaces aspartic acid 91 with glutamic acid.
Molecular consequence: missense variant.
Genome position (GRCh38, 1-based): chr21:45,468,408, C>A. VCF-style: chr21-45468408-C-A. GRCh37 (hg19) VCF-style: chr21-46888322-C-A.
Other names: c.813C>A, p.Asp271Glu (NM_030582.4); c.1518C>A, p.Asp506Glu (NM_130444.3); short protein forms D506E, D271E, D91E.
Identifiers: ClinVar variation 1367796 (VCV001367796.6), dbSNP rs2145890198, ClinGen allele CA410511708.